The following is an entry in ClinVar:

NM_001010874.5(TECRL):c.551+50_551+54del

Gene: TECRL (trans-2,3-enoyl-CoA reductase like; minus strand). Cytogenetic location: 4q13.1.
Variant type: Deletion.
Coding change: c.551+50_551+54del on transcript NM_001010874.5 (MANE Select); bases 50 to 54 of the intron after coding-DNA position 551, 5 bases deleted (ACACA; older notation c.551+50_551+54delACACA).
Molecular consequence: intron variant.
Genome position (GRCh38, 1-based): chr4:64,314,594-64,314,598, TGTGT deleted on the plus strand (ACACA on the coding strand, the reverse complement: TECRL is on the minus strand). VCF-style (leftmost placement, unchanged base first): chr4-64314593-GTGTGT-G. GRCh37 (hg19) VCF-style: chr4-65180311-GTGTGT-G.
Other names: c.551+50_551+54del (NM_001363796.1, NM_001010874.4).
Identifiers: ClinVar variation 1174232 (VCV001174232.2), dbSNP rs1560492129, ClinGen allele CA439631842.

ClinVar aggregate classification (germline): Benign. Review status: criteria provided, multiple submitters, no conflicts (2 of 4 stars). 2 submissions from 2 submitters: Benign (2). Last evaluated 2026-09-21.

Allele frequency attached by ClinVar (database versions not stated): gnomAD exomes 0.19946; gnomAD 0.22571 and 0.22749.

Submissions (2):

Molecular Diagnostic Laboratory for Inherited Cardiovascular Disease, Montreal Heart Institute
Classification: Benign. Last evaluated: 2026-09-21. Review status: criteria provided, single submitter. Criteria: ACMG Guidelines, 2015. Collection method: clinical testing. Allele origin: germline. Affected: no.
Comment: BA1

GeneDx
Classification: Benign. Last evaluated: 2019-08-06. Review status: criteria provided, single submitter. Criteria: GeneDx Variant Classification (06012015). Collection method: clinical testing. Allele origin: germline. Affected: yes.